The following is an entry in ClinVar:

ClinVar aggregate classification (germline): Conflicting classifications of pathogenicity. Review status: criteria provided, conflicting classifications (1 of 4 stars). 5 submissions from 5 submitters: Uncertain significance (3); Likely benign (1). 1 of the submissions does not count toward it. Last evaluated 2025-12-21.

Conditions:
FRAS1-related disorder. Also called: FRAS1-related condition.
Inborn genetic diseases. Identifiers: MedGen C0950123, MeSH D030342.
Fraser syndrome 1 (FRASRS1). Also called: CRYPTOPHTHALMOS WITH OTHER MALFORMATIONS. Identifiers: Orphanet 2052, MedGen C4551480, MONDO:0054737, OMIM 219000.

Allele frequency attached by ClinVar (database versions not stated): gnomAD exomes 0.00004; ExAC 0.00019; gnomAD 0.00055; TOPMed 0.00063; ESP Exome Variant Server 0.00066; 1000 Genomes Project 0.00160; 1000 Genomes Project 30x 0.00172.
gnomAD v4.1: 155 of 1,613,836 alleles (0.0096%); highest among the groups gnomAD compares: African/African-American, 0.19%; no homozygotes.

Submissions (5):

Labcorp Genetics (formerly Invitae), Labcorp
Classification: Likely benign. Last evaluated: 2025-12-21. Review status: criteria provided, single submitter. Criteria: Invitae Variant Classification Sherloc (09022015). Collection method: clinical testing. Allele origin: germline.

Ambry Genetics
Classification: Uncertain significance for Inborn genetic diseases. Last evaluated: 2025-08-01. Review status: criteria provided, single submitter. Criteria: Ambry Variant Classification Scheme 2023. Collection method: clinical testing. Allele origin: germline.

Fulgent Genetics
Classification: Uncertain significance for Fraser syndrome 1. Last evaluated: 2024-04-25. Review status: criteria provided, single submitter. Criteria: ACMG Guidelines, 2015. Collection method: clinical testing. Allele origin: germline.

GeneDx
Classification: Uncertain significance. Last evaluated: 2022-11-07. Review status: criteria provided, single submitter. Criteria: GeneDx Variant Classification Process June 2021. Collection method: clinical testing. Allele origin: germline. Affected: yes.
Comment: In silico analysis supports that this missense variant has a deleterious effect on protein structure/function; Has not been previously published as pathogenic or benign to our knowledge

PreventionGenetics, part of Exact Sciences
Classification: Likely benign for FRAS1-related condition. Last evaluated: 2024-03-25. Review status: no assertion criteria provided. Collection method: clinical testing. Allele origin: germline. Not counted in ClinVar's aggregate classification.
Comment: This variant is classified as likely benign based on ACMG/AMP sequence variant interpretation guidelines (Richards et al. 2015 PMID: 25741868, with internal and published modifications).

NM_025074.7(FRAS1):c.3514G>A (p.Asp1172Asn)

Gene: FRAS1 (Fraser extracellular matrix complex subunit 1; plus strand). Cytogenetic location: 4q21.21.
Variant type: single nucleotide variant.
Coding change: c.3514G>A on transcript NM_025074.7 (MANE Select); coding-DNA position 3514, G replaced by A.
Protein change: p.Asp1172Asn; replaces aspartic acid 1172 with asparagine.
Molecular consequence: missense variant.
Genome position (GRCh38, 1-based): chr4:78,379,947, G>A. VCF-style: chr4-78379947-G-A. GRCh37 (hg19) VCF-style: chr4-79301101-G-A.
Other names: c.3514G>A (NM_025074.6); c.3514G>A, p.Asp1172Asn (NM_001166133.2); short protein forms D1172N.
Identifiers: ClinVar variation 1941612 (VCV001941612.9), dbSNP rs116378993, ClinGen allele CA2976930.